The following is an entry in ClinVar:

ClinVar aggregate classification (germline): Uncertain significance (1 of 4 stars; one submission).

gnomAD v4.1: 1 of 1,613,240 alleles (0.000062%); highest among the groups gnomAD compares: African/African-American, 0.0013%; no homozygotes.

Submission:

Labcorp Genetics (formerly Invitae), Labcorp
Classification: Uncertain significance. Last evaluated: 2025-10-14. Review status: criteria provided, single submitter. Criteria: Invitae Variant Classification Sherloc (09022015). Collection method: clinical testing. Allele origin: germline.
Comment: This sequence change replaces asparagine, which is neutral and polar, with lysine, which is basic and polar, at codon 52 of the LBR protein (p.Asn52Lys). This variant is not present in population databases (gnomAD no frequency). This variant has not been reported in the literature in individuals affected with LBR-related conditions. Invitae Evidence Modeling of protein sequence and biophysical properties (such as structural, functional, and spatial information, amino acid conservation, physicochemical variation, residue mobility, and thermodynamic stability) indicates that this missense variant is not expected to disrupt LBR protein function with a negative predictive value of 95%. In summary, the available evidence is currently insufficient to determine the role of this variant in disease. Therefore, it has been classified as a Variant of Uncertain Significance.

NM_002296.4(LBR):c.156T>A (p.Asn52Lys)

Gene: LBR (lamin B receptor; minus strand). Cytogenetic location: 1q42.12.
Variant type: single nucleotide variant.
Coding change: c.156T>A on transcript NM_002296.4 (MANE Select); coding-DNA position 156, T replaced by A.
Protein change: p.Asn52Lys; replaces asparagine 52 with lysine.
Molecular consequence: missense variant.
Genome position (GRCh38, 1-based): chr1:225,423,920, A>T on the plus strand (T>A on the coding strand, the complement: LBR is on the minus strand). VCF-style: chr1-225423920-A-T. GRCh37 (hg19) VCF-style: chr1-225611622-A-T.
Other names: c.156T>A, p.Asn52Lys (NM_194442.3); short protein forms N52K.
Identifiers: ClinVar variation 4693342 (VCV004693342.1).